The following is an entry in ClinVar:

ClinVar aggregate classification (germline): Pathogenic, low penetrance (1 of 4 stars; one submission).

Conditions:
Atypical hemolytic-uremic syndrome. Identifiers: Orphanet 2134, MedGen C2931788, MONDO:0016244.

Submission:

Genomenon, Inc
Classification: Pathogenic, low penetrance for Atypical hemolytic-uremic syndrome. Last evaluated: 2025-10-02. Review status: criteria provided, single submitter. Criteria: Genomenon Sequence Variant Interpretation Standards. Collection method: curation. Allele origin: germline. Affected: yes.
Comment: CD46 p.Glu36Ter (c.106G>T) is a nonsense variant that introduces a premature stop codon at amino acid position 36, creating a truncated protein that is predicted to undergo nonsense-mediated mRNA decay. This variant has been observed in at least one proband affected with atypical hemolytic-uremic syndrome (PMID:23307876). It is absent or not present at a significant frequency in gnomAD. In conclusion, we classify CD46 p.Glu36Ter (c.106G>T) as a pathogenic variant.

Literature cited by the submitters: PubMed 23307876.

NM_172351.3(CD46):c.106G>T (p.Glu36Ter)

Gene: CD46 (CD46 molecule; plus strand). Cytogenetic location: 1q32.2.
Variant type: single nucleotide variant.
Coding change: c.106G>T on transcript NM_172351.3 (MANE Select); coding-DNA position 106, G replaced by T.
Protein change: p.Glu36Ter; replaces glutamic acid 36 with a stop codon.
Molecular consequence: nonsense.
Genome position (GRCh38, 1-based): chr1:207,757,022, G>T. VCF-style: chr1-207757022-G-T. GRCh37 (hg19) VCF-style: chr1-207930367-G-T.
Other names: c.106G>T, p.Glu36Ter (NM_002389.4, NM_153826.4, NM_172350.3 and 8 more transcripts); short protein forms E36*.
Identifiers: ClinVar variation 4291199 (VCV004291199.1).